The following is an entry in ClinVar:

ClinVar aggregate classification (germline): Pathogenic (1 of 4 stars; one submission).

Conditions:
Aniridia 1 (AN1). Identifiers: Orphanet 250923, MedGen C0344542, MONDO:0024507, OMIM 106210.
Irido-corneo-trabecular dysgenesis (ASGD5). Also called: ANTERIOR SEGMENT DYSGENESIS 5. Identifiers: Orphanet 708, MedGen C0344559, MONDO:0011414, OMIM 604229, HP:0000659.

Submission:

Labcorp Genetics (formerly Invitae), Labcorp
Classification: Pathogenic for Aniridia 1; Irido-corneo-trabecular dysgenesis. Last evaluated: 2020-04-29. Review status: criteria provided, single submitter. Criteria: Invitae Variant Classification Sherloc (09022015). Collection method: clinical testing. Allele origin: germline.
Comment: This variant is a gross deletion of the genomic region encompassing exons 8-13 of the PAX6 gene. The 5' boundary is likely confined to intron 7. The 3' end of this event is unknown as it extends through the termination codon beyond the assayed region for this gene and may encompass additional genes. While this deletion is not anticipated to result in nonsense mediated decay, it is expected to create a truncated protein product or disrupt mRNA translation. Gross deletions of exons 8-13 has been observed in individuals affected with aniridia (PMID: 18483559, Invitae). This deletion has been described in the literature as deletions of exons 9-14 based on alternative exon numbering. For these reasons, this variant has been classified as Pathogenic.

Literature cited by the submitters: PubMed 18483559.

NC_000011.9:g.(?_31804921)_(31816377_?)del

Genes: PAX6 (paired box 6; minus strand), ELP4 (elongator acetyltransferase complex subunit 4; plus strand). Cytogenetic location: 11p13.
Variant type: Deletion.
Identifiers: ClinVar variation 1072682 (VCV001072682.1).